The following is an entry in ClinVar:

NM_004304.5(ALK):c.4580C>T (p.Pro1527Leu)

Gene: ALK (ALK receptor tyrosine kinase; minus strand). Cytogenetic location: 2p23.2.
Variant type: single nucleotide variant.
Coding change: c.4580C>T on transcript NM_004304.5 (MANE Select); coding-DNA position 4580, C replaced by T.
Protein change: p.Pro1527Leu; replaces proline 1527 with leucine.
Molecular consequence: missense variant.
Genome position (GRCh38, 1-based): chr2:29,193,507, G>A on the plus strand (C>T on the coding strand, the complement: ALK is on the minus strand). VCF-style: chr2-29193507-G-A. GRCh37 (hg19) VCF-style: chr2-29416373-G-A.
Other names: c.1376C>T, p.Pro459Leu (NM_001353765.2); short protein forms P1527L, P459L.
Identifiers: ClinVar variation 1741643 (VCV001741643.2), dbSNP rs2465873426, ClinGen allele CA346460690.
Genomic context (GRCh38, chr2:29,193,507, plus strand): 5'-GTTGCAACGTTAGGTGGGACAGTACAGCTTCCCTCCAGCCCCAGGTTACCCCTGTCGTGT[G>A]GCTCCTTCTTTGCTATAGGATTATTCTTTTTGGTGGGTTTCTCTGTAAACCAGGAGCCGT-3'
Protein context (NP_004295.2, residues 1517-1537): KKNNPIAKKE[Pro1527Leu]HDRGNLGLEG

ClinVar aggregate classification (germline): Uncertain significance (1 of 4 stars; one submission).

Conditions:
Hereditary cancer-predisposing syndrome. Also called: Hereditary Cancer Syndrome; Hereditary neoplastic syndrome; Neoplastic Syndromes, Hereditary; Tumor predisposition. Identifiers: Orphanet 140162, MedGen C0027672, MeSH D009386, MONDO:0015356.

Submission:

Ambry Genetics
Classification: Uncertain significance for Hereditary cancer-predisposing syndrome. Last evaluated: 2022-08-11. Review status: criteria provided, single submitter. Criteria: Ambry Variant Classification Scheme 2023. Collection method: clinical testing. Allele origin: germline.
Comment: The p.P1527L variant (also known as c.4580C>T), located in coding exon 29 of the ALK gene, results from a C to T substitution at nucleotide position 4580. The proline at codon 1527 is replaced by leucine, an amino acid with similar properties. This amino acid position is conserved. In addition, this alteration is predicted to be tolerated by in silico analysis. Since supporting evidence is limited at this time, the clinical significance of this alteration remains unclear.